The following is an entry in ClinVar:

ClinVar aggregate classification (germline): Likely pathogenic (1 of 4 stars; one submission).

Conditions:
Weill-Marchesani 4 syndrome, recessive. Also called: Weill-Marchesani syndrome 4. Identifiers: Orphanet 363992, MedGen C2750787, MONDO:0013176, OMIM 613195.

Submission:

First Genomix Gene Laboratory, Genetic Diagnostics Department
Classification: Likely pathogenic for Weill-Marchesani 4 syndrome, recessive. Last evaluated: 2025-09-17. Review status: criteria provided, single submitter. Criteria: ACMG Guidelines, 2015. Collection method: clinical testing. Allele origin: germline. Inheritance: Autosomal recessive inheritance. Affected: no. Observed: 1 variant allele.

NM_139057.4(ADAMTS17):c.1475delinsTT (p.His492fs)

Gene: ADAMTS17 (ADAM metallopeptidase with thrombospondin type 1 motif 17; minus strand). Cytogenetic location: 15q26.3.
Variant type: Indel.
Coding change: c.1475delinsTT on transcript NM_139057.4 (MANE Select); coding-DNA position 1475, A replaced by TT.
Protein change: p.His492fs; shifts the reading frame from histidine 492.
Molecular consequence: frameshift variant.
Genome position (GRCh38, 1-based): chr15:100,133,314, T replaced by AA on the plus strand (A replaced by TT on the coding strand, the reverse complement: ADAMTS17 is on the minus strand). VCF-style: chr15-100133314-T-AA. GRCh37 (hg19) VCF-style: chr15-100673519-T-AA.
Other names: short protein forms H492fs.
Identifiers: ClinVar variation 4850351 (VCV004850351.1).